The following is an entry in ClinVar:

NM_000719.7(CACNA1C):c.5350_5386del (p.Tyr1784fs)

Genes: CACNA1C (calcium voltage-gated channel subunit alpha1 C; plus strand), CACNA1C-AS1 (CACNA1C antisense RNA 1; minus strand). Cytogenetic location: 12p13.33.
Variant type: Deletion.
Coding change: c.5350_5386del on transcript NM_000719.7 (MANE Select); coding-DNA positions 5350 to 5386, 37 bases deleted.
Protein change: p.Tyr1784fs; shifts the reading frame from tyrosine 1784.
Molecular consequence: frameshift variant.
Genome position (GRCh38, 1-based): chr12:2,679,702-2,679,738, 37 bases deleted; deleting any 37 consecutive bases within chr12:2,679,699-2,679,738 gives the same sequence; the c. name uses the placement nearest the transcript's 3' end. GRCh37 (hg19): chr12:2,788,868-2,788,904.
Other names: c.5494_5530del, p.Tyr1832fs (NM_001129827.2, NM_199460.4); c.5473_5509del, p.Tyr1825fs (NM_001129829.2); c.5350_5386del, p.Tyr1784fs (NM_001129830.3, NM_001129840.2, NM_001129841.2 and 4 more transcripts); c.5434_5470del, p.Tyr1812fs (NM_001129831.2); c.5410_5446del, p.Tyr1804fs (NM_001129832.2); c.5407_5443del, p.Tyr1803fs (NM_001129833.2, NM_001129834.2, NM_001129835.2); c.5401_5437del, p.Tyr1801fs (NM_001129836.2); c.5374_5410del, p.Tyr1792fs (NM_001129837.2, NM_001129838.2); and 3 more; short protein forms Y1773fs, Y1781fs, Y1784fs, Y1790fs, Y1792fs, Y1801fs, Y1803fs, Y1804fs.
Identifiers: ClinVar variation 1312794 (VCV001312794.2), dbSNP rs2153803935, ClinGen allele CA2573053648.

ClinVar aggregate classification (germline): Uncertain significance (1 of 4 stars; one submission).

Submission:

GeneDx
Classification: Uncertain significance. Last evaluated: 2020-06-30. Review status: criteria provided, single submitter. Criteria: GeneDx Variant Classification Process June 2021. Collection method: clinical testing. Allele origin: germline. Affected: yes.
Comment: Has not been previously published as pathogenic or benign to our knowledge; Not observed in large population cohorts (Lek et al., 2016); Frameshift variant predicted to result in protein truncation or nonsense mediated decay in a gene for which loss-of-function is not a known mechanism of disease